The following is an entry in ClinVar:

NM_032634.4(PIGO):c.2404C>T (p.Arg802Ter)

Gene: PIGO (phosphatidylinositol glycan anchor biosynthesis class O; minus strand). Cytogenetic location: 9p13.3.
Variant type: single nucleotide variant.
Coding change: c.2404C>T on transcript NM_032634.4 (MANE Select); coding-DNA position 2404, C replaced by T.
Protein change: p.Arg802Ter; replaces arginine 802 with a stop codon.
Molecular consequence: nonsense. On other transcripts: intron variant (2).
Genome position (GRCh38, 1-based): chr9:35,091,483, G>A on the plus strand (C>T on the coding strand, the complement: PIGO is on the minus strand). VCF-style: chr9-35091483-G-A. GRCh37 (hg19) VCF-style: chr9-35091480-G-A.
Other names: c.1345-192C>T (NM_152850.4, NM_001201484.2); short protein forms R802*.
Identifiers: ClinVar variation 620478 (VCV000620478.7), dbSNP rs1199247059, ClinGen allele CA373319914.

ClinVar aggregate classification (germline): Pathogenic/Likely pathogenic. Review status: criteria provided, multiple submitters, no conflicts (2 of 4 stars). 2 submissions from 2 submitters: Pathogenic (1); Likely pathogenic (1). Last evaluated 2022-07-26.

Conditions:
Hyperphosphatasia with impaired intellectual development syndrome 2. Also called: Hyperphosphatasia with intellectual disability syndrome 2; GLYCOSYLPHOSPHATIDYLINOSITOL BIOSYNTHESIS DEFECT 6. Identifiers: Orphanet 247262, MedGen C3553637, MONDO:0013882, OMIM 614749.

Allele frequency attached by ClinVar (database versions not stated): gnomAD exomes 0.00001 and below 0.00001.

Submissions (2):

Labcorp Genetics (formerly Invitae), Labcorp
Classification: Pathogenic for Hyperphosphatasia with impaired intellectual development syndrome 2. Last evaluated: 2022-07-26. Review status: criteria provided, single submitter. Criteria: Invitae Variant Classification Sherloc (09022015). Collection method: clinical testing. Allele origin: germline.
Comment: This sequence change creates a premature translational stop signal (p.Arg802*) in the PIGO gene. It is expected to result in an absent or disrupted protein product. Loss-of-function variants in PIGO are known to be pathogenic (PMID: 22683086, 24417746). This variant is present in population databases (no rsID available, gnomAD 0.003%). This variant has not been reported in the literature in individuals affected with PIGO-related conditions. ClinVar contains an entry for this variant (Variation ID: 620478). For these reasons, this variant has been classified as Pathogenic.

GeneDx
Classification: Likely pathogenic. Last evaluated: 2018-11-23. Review status: criteria provided, single submitter. Criteria: GeneDx Variant Classification (06012015). Collection method: clinical testing. Allele origin: germline. Affected: yes.
Comment: A variant that is likely pathogenic has been identified in the PIGO gene. The R802X variant has not been published as a pathogenic variant, nor has it been reported as a benign variant to our knowledge. The R802X nonsense variant in the PIGO gene is predicted to cause loss of normal protein function either through protein truncation or nonsense-mediated mRNA decay. The R802X variant is not observed at a significant frequency in large population cohorts (Lek et al., 2016). Therefore, this variant is likely pathogenic; however, the possibility that it is benign cannot be excluded.

Literature cited by the submitters: PubMed 22683086 (cited by Labcorp Genetics (formerly Invitae), Labcorp); PubMed 24417746 (cited by Labcorp Genetics (formerly Invitae), Labcorp).